The following is an entry in ClinVar:

ClinVar aggregate classification (germline): Uncertain significance (1 of 4 stars; one submission).

Allele frequency attached by ClinVar (database versions not stated): 1000 Genomes Project 30x 0.00016.
gnomAD v4.1: 22 of 1,613,144 alleles (0.0014%); highest among the groups gnomAD compares: East Asian, 0.011%; no homozygotes.

Submission:

Labcorp Genetics (formerly Invitae), Labcorp
Classification: Uncertain significance. Last evaluated: 2022-08-17. Review status: criteria provided, single submitter. Criteria: Invitae Variant Classification Sherloc (09022015). Collection method: clinical testing. Allele origin: germline.
Comment: Variants that disrupt the consensus splice site are a relatively common cause of aberrant splicing (PMID: 17576681, 9536098). Algorithms developed to predict the effect of sequence changes on RNA splicing suggest that this variant is not likely to affect RNA splicing. In summary, the available evidence is currently insufficient to determine the role of this variant in disease. Therefore, it has been classified as a Variant of Uncertain Significance. This variant has not been reported in the literature in individuals affected with LRRK1-related conditions. This variant is present in population databases (rs199512110, gnomAD 0.02%). This sequence change falls in intron 11 of the LRRK1 gene. It does not directly change the encoded amino acid sequence of the LRRK1 protein. It affects a nucleotide within the consensus splice site.

Literature cited by the submitters: PubMed 17576681; PubMed 9536098.

NM_024652.6(LRRK1):c.1533-3C>A

Genes: LRRK1 (leucine rich repeat kinase 1; plus strand), LOC125146368 (Sharpr-MPRA regulatory region 13394; plus strand). Cytogenetic location: 15q26.3.
Variant type: single nucleotide variant.
Coding change: c.1533-3C>A on transcript NM_024652.6 (MANE Select); 3 bases into the intron before coding-DNA position 1533, C replaced by A.
Molecular consequence: intron variant.
Genome position (GRCh38, 1-based): chr15:101,015,323, C>A. VCF-style: chr15-101015323-C-A. GRCh37 (hg19) VCF-style: chr15-101555528-C-A.
Identifiers: ClinVar variation 1935169 (VCV001935169.3), dbSNP rs199512110, ClinGen allele CA7760926.